The following is an entry in ClinVar:

ClinVar aggregate classification (germline): Benign (1 of 4 stars; one submission).

Submission:

GeneDx
Classification: Benign. Last evaluated: 2018-06-19. Review status: criteria provided, single submitter. Criteria: GeneDx Variant Classification (06012015). Collection method: clinical testing. Allele origin: germline. Affected: yes.
Comment: This variant is considered likely benign or benign based on one or more of the following criteria: it is a conservative change, it occurs at a poorly conserved position in the protein, it is predicted to be benign by multiple in silico algorithms, and/or has population frequency not consistent with disease.

NM_001127222.2(CACNA1A):c.5529-969_5529-968del

Gene: CACNA1A (calcium voltage-gated channel subunit alpha1 A; minus strand). Cytogenetic location: 19p13.13.
Variant type: Microsatellite.
Coding change: c.5529-969_5529-968del on transcript NM_001127222.2 (MANE Select); 969 bases into the intron before coding-DNA position 5529 through 968 bases into the intron before coding-DNA position 5529, 2 bases deleted (AT; older notation c.5529-969_5529-968delAT).
Molecular consequence: intron variant.
Genome position (GRCh38, 1-based): chr19:13,228,495-13,228,496, AT deleted on the plus strand (AT on the coding strand, the reverse complement: CACNA1A is on the minus strand); deleting any 2 consecutive bases within chr19:13,228,495-13,228,498 gives the same sequence; the c. name uses the placement nearest the transcript's 3' end. VCF-style (leftmost placement, unchanged base first): chr19-13228494-AAT-A. GRCh37 (hg19) VCF-style: chr19-13339308-AAT-A.
Other names: c.5628+203_5628+204del (NM_001127221.2); c.5538-969_5538-968del (NM_001174080.2); c.5547-969_5547-968del (NM_000068.4, NM_023035.3).
Identifiers: ClinVar variation 677613 (VCV000677613.1), dbSNP rs148014508, ClinGen allele CA305511440.
Genomic context (GRCh38, chr19:13,228,494, plus strand): 5'-AGGATGGGCAGCTTCAGCTAAGAGCAAGCAAAGATGGCTGAAGGCTGAAGGGAAGGAGGA[AAT>A]ATGTTCCATGCTTTATCGAGTCTACATGACTGCATTCTGTTGGCTAAGAGAGTTTTCTAG-3'